The following is an entry in ClinVar:

ClinVar aggregate classification (germline): Pathogenic. Review status: criteria provided, single submitter (1 of 4 stars). 2 submissions from 2 submitters: Pathogenic (1). 1 of the submissions does not count toward it. Last evaluated 2023-10-11.

Conditions:
Primary hyperoxaluria, type I (HP1). Also called: GLYCOLIC ACIDURIA; HEPATIC AGT DEFICIENCY; OXALOSIS I; Primary hyperoxaluria type 1. Identifiers: Orphanet 416, Orphanet 93598, MedGen C0268164, MONDO:0009823, OMIM 259900. Disease mechanism: loss of function.

Submissions (2):

MVZ Medizinische Genetik Mainz
Classification: Pathogenic for Primary hyperoxaluria, type I. Last evaluated: 2023-10-11. Review status: criteria provided, single submitter. Criteria: UK Practice Guidelines For Variant Classification V4 01 2020. Collection method: clinical testing. Allele origin: germline. Inheritance: Autosomal recessive inheritance. Affected: yes. Observed: 1 variant allele.
Comment: ACMG Criteria: PS3, PM3, PM5, PM2_SUP, PP3

Clinical Biochemistry Laboratory, Health Services Laboratory
Classification: Pathogenic for Primary hyperoxaluria, type I. Last evaluated: 2014-11-27. Review status: no assertion criteria provided. Collection method: in vitro. Allele origin: germline. Affected: yes. Not counted in ClinVar's aggregate classification.

Literature cited by the submitters: PubMed 19479957 (cited by Clinical Biochemistry Laboratory, Health Services Laboratory); PubMed 24718375 (cited by Clinical Biochemistry Laboratory, Health Services Laboratory).

NM_000030.3(AGXT):c.583A>C (p.Met195Leu)

Gene: AGXT (alanine--glyoxylate aminotransferase; plus strand). Cytogenetic location: 2q37.3.
Variant type: single nucleotide variant.
Coding change: c.583A>C on transcript NM_000030.3 (MANE Select); coding-DNA position 583, A replaced by C.
Protein change: p.Met195Leu; replaces methionine 195 with leucine.
Molecular consequence: missense variant.
Genome position (GRCh38, 1-based): chr2:240,873,037, A>C. VCF-style: chr2-240873037-A-C. GRCh37 (hg19) VCF-style: chr2-241812454-A-C.
Other names: short protein forms M195L.
Identifiers: ClinVar variation 204112 (VCV000204112.3), dbSNP rs180177243, ClinGen allele CA275710.